The following is an entry in ClinVar:

NM_206933.4(USH2A):c.763C>A (p.Gln255Lys)

Gene: USH2A (usherin; minus strand). Cytogenetic location: 1q41.
Variant type: single nucleotide variant.
Coding change: c.763C>A on transcript NM_206933.4 (MANE Select); coding-DNA position 763, C replaced by A.
Protein change: p.Gln255Lys; replaces glutamine 255 with lysine.
Molecular consequence: missense variant.
Genome position (GRCh38, 1-based): chr1:216,364,974, G>T on the plus strand (C>A on the coding strand, the complement: USH2A is on the minus strand). VCF-style: chr1-216364974-G-T. GRCh37 (hg19) VCF-style: chr1-216538316-G-T.
Other names: c.763C>A, p.Gln255Lys (NM_007123.6); short protein forms Q255K.
Identifiers: ClinVar variation 1405868 (VCV001405868.5), dbSNP rs2038566435, ClinGen allele CA344907643.

ClinVar aggregate classification (germline): Uncertain significance (1 of 4 stars; one submission).

Allele frequency attached by ClinVar (database versions not stated): TOPMed below 0.00001.

Submission:

Labcorp Genetics (formerly Invitae), Labcorp
Classification: Uncertain significance. Last evaluated: 2022-10-05. Review status: criteria provided, single submitter. Criteria: Invitae Variant Classification Sherloc (09022015). Collection method: clinical testing. Allele origin: germline.
Comment: This sequence change replaces glutamine, which is neutral and polar, with lysine, which is basic and polar, at codon 255 of the USH2A protein (p.Gln255Lys). This variant is not present in population databases (gnomAD no frequency). This variant has not been reported in the literature in individuals affected with USH2A-related conditions. ClinVar contains an entry for this variant (Variation ID: 1405868). Advanced modeling of protein sequence and biophysical properties (such as structural, functional, and spatial information, amino acid conservation, physicochemical variation, residue mobility, and thermodynamic stability) performed at Invitae indicates that this missense variant is not expected to disrupt USH2A protein function. In summary, the available evidence is currently insufficient to determine the role of this variant in disease. Therefore, it has been classified as a Variant of Uncertain Significance.